The following is an entry in ClinVar:

NM_000718.4(CACNA1B):c.2330T>C (p.Leu777Pro)

Gene: CACNA1B (calcium voltage-gated channel subunit alpha1 B; plus strand). Cytogenetic location: 9q34.3.
Variant type: single nucleotide variant.
Coding change: c.2330T>C on transcript NM_000718.4 (MANE Select); coding-DNA position 2330, T replaced by C.
Protein change: p.Leu777Pro; replaces leucine 777 with proline.
Molecular consequence: missense variant.
Genome position (GRCh38, 1-based): chr9:138,023,073, T>C. VCF-style: chr9-138023073-T-C. GRCh37 (hg19) VCF-style: chr9-140917525-T-C.
Other names: c.2330T>C, p.Leu777Pro (NM_001243812.2); short protein forms L777P.
Identifiers: ClinVar variation 1998281 (VCV001998281.4), dbSNP rs2539372794, ClinGen allele CA375809165.

ClinVar aggregate classification (germline): Uncertain significance (1 of 4 stars; one submission).

Allele frequency attached by ClinVar (database versions not stated): gnomAD exomes below 0.00001.
gnomAD v4.1: 1 of 1,529,594 alleles (0.000065%); highest among the groups gnomAD compares: Non-Finnish European, 0.000087%; no homozygotes.

Submission:

Labcorp Genetics (formerly Invitae), Labcorp
Classification: Uncertain significance. Last evaluated: 2025-02-17. Review status: criteria provided, single submitter. Criteria: Invitae Variant Classification Sherloc (09022015). Collection method: clinical testing. Allele origin: germline.
Comment: This sequence change replaces leucine, which is neutral and non-polar, with proline, which is neutral and non-polar, at codon 777 of the CACNA1B protein (p.Leu777Pro). This variant is not present in population databases (gnomAD no frequency). This variant has not been reported in the literature in individuals affected with CACNA1B-related conditions. ClinVar contains an entry for this variant (Variation ID: 1998281). An algorithm developed to predict the effect of missense changes on protein structure and function (PolyPhen-2) suggests that this variant is likely to be tolerated. In summary, the available evidence is currently insufficient to determine the role of this variant in disease. Therefore, it has been classified as a Variant of Uncertain Significance.